The following is an entry in ClinVar:

NM_001365951.3(KIF1B):c.4889C>G (p.Thr1630Ser)

Gene: KIF1B (kinesin family member 1B; plus strand). Cytogenetic location: 1p36.22.
Variant type: single nucleotide variant.
Coding change: c.4889C>G on transcript NM_001365951.3 (MANE Select); coding-DNA position 4889, C replaced by G.
Protein change: p.Thr1630Ser; replaces threonine 1630 with serine.
Molecular consequence: missense variant.
Genome position (GRCh38, 1-based): chr1:10,371,205, C>G. VCF-style: chr1-10371205-C-G. GRCh37 (hg19) VCF-style: chr1-10431263-C-G.
Other names: c.4889C>G, p.Thr1630Ser (NM_001365952.1); c.4751C>G, p.Thr1584Ser (NM_015074.3); short protein forms T1584S, T1630S.
Identifiers: ClinVar variation 3534049 (VCV003534049.1).
Genomic context (GRCh38, chr1:10,371,205, plus strand): 5'-CTGATATCTCTCCAATTGGACGGGATCCCTCTGAGTCCAGTTTCAGCAGTGCCACCCTCA[C>G]TCCCTCCTCCACCTGTCCCTCTCTGGTAGACTCTAGGAGCAACTCTCTGGATCAGAAGTA-3'
Protein context (NP_001352880.1, residues 1620-1640): SESSFSSATL[Thr1630Ser]PSSTCPSLVD

ClinVar aggregate classification (germline): Uncertain significance (1 of 4 stars; one submission).

Submission:

Ambry Genetics
Classification: Uncertain significance. Last evaluated: 2024-10-18. Review status: criteria provided, single submitter. Criteria: Ambry Variant Classification Scheme 2023. Collection method: clinical testing. Allele origin: germline.
Comment: The p.T1584S variant (also known as c.4751C>G), located in coding exon 42 of the KIF1B gene, results from a C to G substitution at nucleotide position 4751. The threonine at codon 1584 is replaced by serine, an amino acid with similar properties. This amino acid position is conserved. In addition, this alteration is predicted to be tolerated by in silico analysis. Based on the available evidence, the clinical significance of this variant remains unclear.